The following is an entry in ClinVar:

ClinVar aggregate classification (germline): Likely pathogenic (1 of 4 stars; one submission).

Conditions:
LAMA2-related muscular dystrophy (LAMA2-RD). Also called: Laminin alpha 2-related dystrophy. Identifiers: MedGen C5679788, MONDO:0100228.

Submission:

Myriad Genetics, Inc.
Classification: Likely pathogenic for LAMA2-related muscular dystrophy. Last evaluated: 2022-03-03. Review status: criteria provided, single submitter. Criteria: Myriad Autosomal Dominant, Autosomal Recessive and X-Linked Classification Criteria (2023). Collection method: clinical testing. Allele origin: unknown.
Comment: NM_000426.3(LAMA2):c.5062delG(D1688Mfs*5) is expected to be pathogenic in the context of muscular dystrophy, LAMA2-related. This variant is predicted to lead to an abnormal or absent protein product due to the creation of a premature termination codon in LAMA2, a gene where loss-of-function variants are known to be pathogenic. Please note: this variant was assessed in the context of healthy population screening.

NM_000426.4(LAMA2):c.5062del (p.Asp1688fs)

Gene: LAMA2 (laminin subunit alpha 2; plus strand). Cytogenetic location: 6q22.33.
Variant type: Deletion.
Coding change: c.5062del on transcript NM_000426.4 (MANE Select); coding-DNA position 5062, one base deleted (G; older notation c.5062delG).
Protein change: p.Asp1688fs; shifts the reading frame from aspartic acid 1688.
Molecular consequence: frameshift variant.
Genome position (GRCh38, 1-based): chr6:129,383,224, G deleted; the last of 3 consecutive G bases (chr6:129,383,222-129,383,224); deleting any one gives the same sequence. VCF-style (leftmost placement, unchanged base first): chr6-129383221-CG-C. GRCh37 (hg19) VCF-style: chr6-129704366-CG-C.
Other names: c.5062del, p.Asp1688fs (NM_001079823.2); short protein forms D1688fs.
Identifiers: ClinVar variation 1724938 (VCV001724938.3), dbSNP rs2482690956, ClinGen allele CA2580075124.
Genomic context (GRCh38, chr6:129,383,221, plus strand): 5'-GATGCTGAGAGGACCAACACAAGAGCAAAGTCCCTGGGAGAATTCATTAAGGAGCTTGCC[CG>C]GGATGCAGAAGGTATTAGAAAGAATCACATTTTAATCATCATTTCTCCCAACAGAAAAAC-3'